The following is an entry in ClinVar:

NM_002485.5(NBN):c.2012A>G (p.Asn671Ser)

Gene: NBN (nibrin; minus strand). Cytogenetic location: 8q21.3.
Variant type: single nucleotide variant.
Coding change: c.2012A>G on transcript NM_002485.5 (MANE Select); coding-DNA position 2012, A replaced by G.
Protein change: p.Asn671Ser; replaces asparagine 671 with serine.
Molecular consequence: missense variant.
Genome position (GRCh38, 1-based): chr8:89,946,198, T>C on the plus strand (A>G on the coding strand, the complement: NBN is on the minus strand). VCF-style: chr8-89946198-T-C. GRCh37 (hg19) VCF-style: chr8-90958426-T-C.
Other names: c.1766A>G, p.Asn589Ser (NM_001024688.3); short protein forms N671S, N589S.
Identifiers: ClinVar variation 582781 (VCV000582781.15), dbSNP rs1563513183, ClinGen allele CA371676444.
Genomic context (GRCh38, chr8:89,946,198, plus strand): 5'-ACCTTTTTGAATTTCTTGAAATTTTTTAGTTGACCATAATCATCATTTATGCCAGATGGA[T>C]TTCTGGAAGTAGAGTTTTTAATCACCAGTGATCTAAATTCAGTCAATAACAGCTTTTTTG-3'
Protein context (NP_002476.2, residues 661-681): SLVIKNSTSR[Asn671Ser]PSGINDDYGQ

ClinVar aggregate classification (germline): Uncertain significance. Review status: criteria provided, multiple submitters, no conflicts (2 of 4 stars). 3 submissions from 3 submitters: Uncertain significance (3). Last evaluated 2023-12-22.

Conditions:
Microcephaly, normal intelligence and immunodeficiency (NBS). Also called: Ataxia telangiectasia variant V1; SEEMANOVA SYNDROME II; Immunodeficiency, microcephaly with normal intelligence; Nijmegen breakage syndrome; Microcephaly with normal intelligence immunodeficiency and lymphoreticular malignancies; Nonsyndromal microcephaly autosomal recessive with normal intelligence. Identifiers: Orphanet 647, MedGen C0398791, MONDO:0009623, OMIM 251260.
Hereditary cancer-predisposing syndrome. Also called: Neoplastic Syndromes, Hereditary; Hereditary Cancer Syndrome; Tumor predisposition; Hereditary neoplastic syndrome. Identifiers: Orphanet 140162, MedGen C0027672, MeSH D009386, MONDO:0015356.

Allele frequency attached by ClinVar (database versions not stated): gnomAD 0.00001.

Submissions (3):

Ambry Genetics
Classification: Uncertain significance for Hereditary cancer-predisposing syndrome. Last evaluated: 2023-12-22. Review status: criteria provided, single submitter. Criteria: Ambry Variant Classification Scheme 2023. Collection method: clinical testing. Allele origin: germline.
Comment: The p.N671S variant (also known as c.2012A>G), located in coding exon 13 of the NBN gene, results from an A to G substitution at nucleotide position 2012. The asparagine at codon 671 is replaced by serine, an amino acid with highly similar properties. This amino acid position is not well conserved in available vertebrate species. In addition, this alteration is predicted to be tolerated by in silico analysis. Since supporting evidence is limited at this time, the clinical significance of this alteration remains unclear.

Genome-Nilou Lab
Classification: Uncertain significance for Microcephaly, normal intelligence and immunodeficiency. Last evaluated: 2021-11-07. Review status: criteria provided, single submitter. Criteria: ACMG Guidelines, 2015. Collection method: clinical testing. Allele origin: germline. Affected: no.

Labcorp Genetics (formerly Invitae), Labcorp
Classification: Uncertain significance for Microcephaly, normal intelligence and immunodeficiency. Last evaluated: 2018-06-19. Review status: criteria provided, single submitter. Criteria: Invitae Variant Classification Sherloc (09022015). Collection method: clinical testing. Allele origin: germline.
Comment: In summary, the available evidence is currently insufficient to determine the role of this variant in disease. Therefore, it has been classified as a Variant of Uncertain Significance. Algorithms developed to predict the effect of missense changes on protein structure and function output the following: SIFT: "Tolerated"; PolyPhen-2: "Benign"; Align-GVGD: "Class C0". The serine amino acid residue is found in multiple mammalian species, suggesting that this missense change does not adversely affect protein function. These predictions have not been confirmed by published functional studies and their clinical significance is uncertain. This variant has not been reported in the literature in individuals with NBN-related disease. This variant is not present in population databases (ExAC no frequency). This sequence change replaces asparagine with serine at codon 671 of the NBN protein (p.Asn671Ser). The asparagine residue is weakly conserved and there is a small physicochemical difference between asparagine and serine.